The following is an entry in ClinVar:

ClinVar aggregate classification (germline): Uncertain significance (0 of 4 stars; one submission).

Conditions:
ASXL2-related disorder. Also called: ASXL2-related condition.

Submission:

PreventionGenetics, part of Exact Sciences
Classification: Uncertain significance for ASXL2-related condition. Last evaluated: 2024-05-01. Review status: no assertion criteria provided. Collection method: clinical testing. Allele origin: germline.
Comment: The ASXL2 c.3421A>C variant is predicted to result in the amino acid substitution p.Thr1141Pro. To our knowledge, this variant has not been reported in the literature or in a large population database, indicating this variant is rare. At this time, the clinical significance of this variant is uncertain due to the absence of conclusive functional and genetic evidence.

NM_018263.6(ASXL2):c.3421A>C (p.Thr1141Pro)

Gene: ASXL2 (ASXL transcriptional regulator 2; minus strand). Cytogenetic location: 2p23.3.
Variant type: single nucleotide variant.
Coding change: c.3421A>C on transcript NM_018263.6 (MANE Select); coding-DNA position 3421, A replaced by C.
Protein change: p.Thr1141Pro; replaces threonine 1141 with proline.
Molecular consequence: missense variant.
Genome position (GRCh38, 1-based): chr2:25,742,916, T>G on the plus strand (A>C on the coding strand, the complement: ASXL2 is on the minus strand). VCF-style: chr2-25742916-T-G. GRCh37 (hg19) VCF-style: chr2-25965785-T-G.
Other names: c.3247A>C, p.Thr1083Pro (NM_001369346.1); c.2641A>C, p.Thr881Pro (NM_001369347.1); short protein forms T1083P, T1141P, T881P.
Identifiers: ClinVar variation 3348991 (VCV003348991.1).